The following is an entry in ClinVar:

NC_000018.9:g.(?_76773973)_(77748392_?)dup

Genes: ATP9B (ATPase phospholipid transporting 9B (putative); plus strand), CTDP1 (CTD phosphatase subunit 1; plus strand), HSBP1L1 (heat shock factor binding protein 1 like 1; plus strand), KCNG2 (potassium voltage-gated channel modifier subfamily G member 2; plus strand), NFATC1 (nuclear factor of activated T cells 1; plus strand) and 2 more. Cytogenetic location: 18q23.
Variant type: Duplication.
Identifiers: ClinVar variation 2425209 (VCV002425209.3).

ClinVar aggregate classification (germline): Uncertain significance (1 of 4 stars; one submission).

Submission:

Labcorp Genetics (formerly Invitae), Labcorp
Classification: Uncertain significance. Last evaluated: 2022-10-31. Review status: criteria provided, single submitter. Criteria: Invitae Variant Classification Sherloc (09022015). Collection method: clinical testing. Allele origin: germline.
Comment: A copy number gain of the genomic region encompassing the full coding sequence of the CTDP1 gene has been identified. The boundaries of this event are unknown as they extend beyond the assayed region for this gene and therefore may encompass additional genes. As the precise location of this event is unknown, it may be in tandem or it may be located elsewhere in the genome. This variant has not been reported in the literature in individuals affected with CTDP1-related conditions. In summary, the available evidence is currently insufficient to determine the role of this variant in disease. Therefore, it has been classified as a Variant of Uncertain Significance.